The following is an entry in ClinVar:

NM_138713.4(NFAT5):c.2380C>G (p.Gln794Glu)

Gene: NFAT5 (nuclear factor of activated T cells 5; plus strand). Cytogenetic location: 16q22.1.
Variant type: single nucleotide variant.
Coding change: c.2380C>G on transcript NM_138713.4 (MANE Select); coding-DNA position 2380, C replaced by G.
Protein change: p.Gln794Glu; replaces glutamine 794 with glutamic acid.
Molecular consequence: missense variant.
Genome position (GRCh38, 1-based): chr16:69,692,205, C>G. VCF-style: chr16-69692205-C-G. GRCh37 (hg19) VCF-style: chr16-69726108-C-G.
Other names: c.2377C>G, p.Gln793Glu (NM_001113178.3); c.1705C>G, p.Gln569Glu (NM_001367709.1); c.2326C>G, p.Gln776Glu (NM_006599.4); c.2098C>G, p.Gln700Glu (NM_138714.4, NM_173214.3, NM_173215.3); short protein forms Q569E, Q700E, Q776E, Q793E, Q794E.
Identifiers: ClinVar variation 1020970 (VCV001020970.6), dbSNP rs757333746, ClinGen allele CA8135755.
Genomic context (GRCh38, chr16:69,692,205, plus strand): 5'-CAGATTTCATCAAATATTTTTCCATCACCAAATAGTGTGAGTCAGCTTCAGAATACTATT[C>G]AGCAGCTGCAAGCAGGGAGTTTCACAGGCAGTACTGCTAGTGGCAGCAGTGGAAGTGTTG-3'
Protein context (NP_619727.2, residues 784-804): NSVSQLQNTI[Gln794Glu]QLQAGSFTGS

ClinVar aggregate classification (germline): Uncertain significance (1 of 4 stars; one submission).

Conditions:
Immunodeficiency. Identifiers: MedGen C0021051, MONDO:0021094, HP:0002721.

Allele frequency attached by ClinVar (database versions not stated): ExAC 0.00001; gnomAD exomes 0.00001 and 0.00005; TOPMed 0.00002.
gnomAD v4.1: 78 of 1,614,072 alleles (0.0048%); highest among the groups gnomAD compares: Non-Finnish European, 0.0062%; no homozygotes.

Submission:

Labcorp Genetics (formerly Invitae), Labcorp
Classification: Uncertain significance for Immunodeficiency. Last evaluated: 2025-12-05. Review status: criteria provided, single submitter. Criteria: Invitae Variant Classification Sherloc (09022015). Collection method: clinical testing. Allele origin: germline.
Comment: This sequence change replaces glutamine, which is neutral and polar, with glutamic acid, which is acidic and polar, at codon 700 of the NFAT5 protein (p.Gln700Glu). This variant is present in population databases (rs757333746, gnomAD 0.003%). This variant has not been reported in the literature in individuals affected with NFAT5-related conditions. ClinVar contains an entry for this variant (Variation ID: 1020970). An algorithm developed to predict the effect of missense changes on protein structure and function (PolyPhen-2) suggests that this variant is likely to be disruptive. In summary, the available evidence is currently insufficient to determine the role of this variant in disease. Therefore, it has been classified as a Variant of Uncertain Significance.